The following is an entry in ClinVar:

NM_017654.4(SAMD9):c.1375C>T (p.Arg459Ter)

Gene: SAMD9 (sterile alpha motif domain containing 9; minus strand). Cytogenetic location: 7q21.2.
Variant type: single nucleotide variant.
Coding change: c.1375C>T on transcript NM_017654.4 (MANE Select); coding-DNA position 1375, C replaced by T.
Protein change: p.Arg459Ter; replaces arginine 459 with a stop codon.
Molecular consequence: nonsense.
Genome position (GRCh38, 1-based): chr7:93,104,723, G>A on the plus strand (C>T on the coding strand, the complement: SAMD9 is on the minus strand). VCF-style: chr7-93104723-G-A. GRCh37 (hg19) VCF-style: chr7-92734036-G-A.
Other names: c.1375C>T, p.Arg459Ter (NM_001193307.2); c.1375C>T (NM_017654.3); short protein forms R459*.
Identifiers: ClinVar variation 1479131 (VCV001479131.6), dbSNP rs145018604, ClinGen allele CA4342981.

ClinVar aggregate classification (germline): Uncertain significance. Review status: criteria provided, multiple submitters, no conflicts (2 of 4 stars). 2 submissions from 2 submitters: Uncertain significance (2). Last evaluated 2025-01-15.

Allele frequency attached by ClinVar (database versions not stated): gnomAD 0.00007 and 0.00008; ESP Exome Variant Server 0.00008; gnomAD exomes 0.00003 and 0.00006; ExAC 0.00001; TOPMed 0.00005.

Submissions (2):

GeneDx
Classification: Uncertain significance. Last evaluated: 2025-01-15. Review status: criteria provided, single submitter. Criteria: GeneDx Variant Classification Process June 2021. Collection method: clinical testing. Allele origin: germline.
Comment: Nonsense variant predicted to result in protein truncation as the last 1131 amino acids are lost in a gene for which loss-of-function is not a known mechanism of disease; This variant is associated with the following publications: (PMID: 28545555, 34482403, 33408077)

Labcorp Genetics (formerly Invitae), Labcorp
Classification: Uncertain significance. Last evaluated: 2024-11-18. Review status: criteria provided, single submitter. Criteria: Invitae Variant Classification Sherloc (09022015). Collection method: clinical testing. Allele origin: germline.
Comment: This sequence change creates a premature translational stop signal (p.Arg459*) in the SAMD9 gene. While this is not anticipated to result in nonsense mediated decay, it is expected to disrupt the last 1131 amino acid(s) of the SAMD9 protein. This variant is present in population databases (rs145018604, gnomAD 0.006%). This premature translational stop signal has been observed in individual(s) with leukemia, prostate cancer, and/or renal cell carcinoma (PMID: 34482403). ClinVar contains an entry for this variant (Variation ID: 1479131). Experimental studies and prediction algorithms are not available or were not evaluated, and the functional significance of this variant is currently unknown. In summary, the available evidence is currently insufficient to determine the role of this variant in disease. Therefore, it has been classified as a Variant of Uncertain Significance.

Literature cited by the submitters: PubMed 34482403 (cited by Labcorp Genetics (formerly Invitae), Labcorp).